The following is an entry in ClinVar:

ClinVar aggregate classification (germline): Uncertain significance (1 of 4 stars; one submission).

Conditions:
Long QT syndrome (LQTS). Identifiers: MedGen C0023976, MeSH D008133, MONDO:0002442. Disease mechanism: loss of function. Inheritance: Various modes of inheritance.

Submission:

Labcorp Genetics (formerly Invitae), Labcorp
Classification: Uncertain significance for Long QT syndrome. Last evaluated: 2023-04-04. Review status: criteria provided, single submitter. Criteria: Invitae Variant Classification Sherloc (09022015). Collection method: clinical testing. Allele origin: germline.
Comment: In summary, the available evidence is currently insufficient to determine the role of this variant in disease. Therefore, it has been classified as a Variant of Uncertain Significance. This sequence change replaces threonine, which is neutral and polar, with alanine, which is neutral and non-polar, at codon 399 of the KCNH2 protein (p.Thr399Ala). This variant is not present in population databases (gnomAD no frequency). This variant has not been reported in the literature in individuals affected with KCNH2-related conditions. An algorithm developed to predict the effect of missense changes on protein structure and function (PolyPhen-2) suggests that this variant is likely to be disruptive.

NM_000238.4(KCNH2):c.1195A>G (p.Thr399Ala)

Gene: KCNH2 (potassium voltage-gated channel subfamily H member 2; minus strand). Cytogenetic location: 7q36.1.
Variant type: single nucleotide variant.
Coding change: c.1195A>G on transcript NM_000238.4 (MANE Select); coding-DNA position 1195, A replaced by G.
Protein change: p.Thr399Ala; replaces threonine 399 with alanine.
Molecular consequence: missense variant. On other transcripts: non-coding transcript variant (2).
Genome position (GRCh38, 1-based): chr7:150,952,787, T>C on the plus strand (A>G on the coding strand, the complement: KCNH2 is on the minus strand). VCF-style: chr7-150952787-T-C. GRCh37 (hg19) VCF-style: chr7-150649875-T-C.
Other names: c.175A>G, p.Thr59Ala (NM_172057.3, NM_001204798.2); c.907A>G, p.Thr303Ala (NM_001406753.1, NM_001406756.1); c.1018A>G, p.Thr340Ala (NM_001406755.1); c.895A>G, p.Thr299Ala (NM_001406757.1); c.1195A>G, p.Thr399Ala (NM_172056.3); short protein forms T340A, T399A, T299A, T59A, T303A.
Identifiers: ClinVar variation 2850280 (VCV002850280.3), dbSNP rs2486050353, ClinGen allele CA369860239.